The following is an entry in ClinVar:

GRCh38/hg38 5q13.2(chr5:70436365-71014028)x1

Genes: NAIP (NLR family apoptosis inhibitory protein), SERF1A (small EDRK-rich factor 1A), SMN-AS1 (survival motor neuron- antisense 1), SMN1 (survival of motor neuron 1, telomeric). Cytogenetic location: 5q13.2.
Variant type: copy number loss.
Change: copy number 1 (one copy instead of two) of chr5:70,436,365-71,014,028 (577.7 kb, GRCh38 coordinates, 1-based), cytogenetic band 5q13.2.
Identifiers: ClinVar variation 57319 (VCV000057319.1).

ClinVar aggregate classification (germline): Benign (1 of 4 stars; one submission).

Submission:

ISCA site 4
Classification: Benign. Last evaluated: 2011-08-12. Review status: criteria provided, single submitter. Criteria: Kaminsky et al. (Genet Med. 2011). Collection method: clinical testing. Allele origin: unknown. Affected: yes. Observed: 1 variant allele.
Comment: Copy number variation identified through the course of routine clinical cytogenomic testing in postnatal populations. Clinical assertions have been curated as described in Kaminsky et al. 2011.